The following is an entry in ClinVar:

ClinVar aggregate classification (germline): Benign/Likely benign. Review status: criteria provided, multiple submitters, no conflicts (2 of 4 stars). 3 submissions from 3 submitters: Benign (1); Likely benign (2). Last evaluated 2024-11-12.

Allele frequency attached by ClinVar (database versions not stated): gnomAD 0.00001; TOPMed 0.00002; gnomAD exomes 0.00004 and 0.00007; ExAC 0.00005; 1000 Genomes Project 30x 0.00021; 1000 Genomes Project 0.00026.

Submissions (3):

Blueprint Genetics
Classification: Likely benign. Last evaluated: 2024-11-12. Review status: criteria provided, single submitter. Criteria: ACMG Guidelines, 2015. Collection method: clinical testing. Allele origin: germline.

Labcorp Genetics (formerly Invitae), Labcorp
Classification: Benign. Last evaluated: 2024-04-11. Review status: criteria provided, single submitter. Criteria: Invitae Variant Classification Sherloc (09022015). Collection method: clinical testing. Allele origin: germline.

CeGaT Center for Human Genetics Tuebingen
Classification: Likely benign. Last evaluated: 2023-05-01. Review status: criteria provided, single submitter. Criteria: CeGaT Center For Human Genetics Tuebingen Variant Classification Criteria Version 2. Collection method: clinical testing. Allele origin: germline. Affected: yes. Observed: 1 variant allele.
Comment: FGD1: BP4, BP7, BS2

NM_004463.3(FGD1):c.2223G>A (p.Glu741=)

Gene: FGD1 (FYVE, RhoGEF and PH domain containing 1; minus strand). Cytogenetic location: Xp11.22.
Variant type: single nucleotide variant.
Coding change: c.2223G>A on transcript NM_004463.3 (MANE Select); coding-DNA position 2223, G replaced by A.
Protein change: p.Glu741=; no amino-acid change (glutamic acid 741 retained).
Molecular consequence: synonymous variant.
Genome position (GRCh38, 1-based): chrX:54,449,194, C>T on the plus strand (G>A on the coding strand, the complement: FGD1 is on the minus strand). VCF-style: chrX-54449194-C-T. GRCh37 (hg19) VCF-style: chrX-54475627-C-T.
Identifiers: ClinVar variation 763893 (VCV000763893.34), dbSNP rs202213679, ClinGen allele CA10424984.